The following is an entry in ClinVar:

NM_018230.3(NUP133):c.451T>C (p.Trp151Arg)

Gene: NUP133 (nucleoporin 133; minus strand). Cytogenetic location: 1q42.13.
Variant type: single nucleotide variant.
Coding change: c.451T>C on transcript NM_018230.3 (MANE Select); coding-DNA position 451, T replaced by C.
Protein change: p.Trp151Arg; replaces tryptophan 151 with arginine.
Molecular consequence: missense variant.
Genome position (GRCh38, 1-based): chr1:229,500,818, A>G on the plus strand (T>C on the coding strand, the complement: NUP133 is on the minus strand). VCF-style: chr1-229500818-A-G. GRCh37 (hg19) VCF-style: chr1-229636565-A-G.
Other names: short protein forms W151R.
Identifiers: ClinVar variation 1984262 (VCV001984262.4), dbSNP rs371625989, ClinGen allele CA1443817.

ClinVar aggregate classification (germline): Uncertain significance (1 of 4 stars; one submission).

Allele frequency attached by ClinVar (database versions not stated): ExAC 0.00001; gnomAD exomes 0.00002; gnomAD 0.00003; TOPMed 0.00003; ESP Exome Variant Server 0.00008.
gnomAD v4.1: 28 of 1,613,046 alleles (0.0017%); highest among the groups gnomAD compares: Middle Eastern, 0.049%; no homozygotes.

Submission:

Labcorp Genetics (formerly Invitae), Labcorp
Classification: Uncertain significance. Last evaluated: 2023-06-24. Review status: criteria provided, single submitter. Criteria: Invitae Variant Classification Sherloc (09022015). Collection method: clinical testing. Allele origin: germline.
Comment: In summary, the available evidence is currently insufficient to determine the role of this variant in disease. Therefore, it has been classified as a Variant of Uncertain Significance. An algorithm developed to predict the effect of missense changes on protein structure and function (PolyPhen-2) suggests that this variant is likely to be tolerated. ClinVar contains an entry for this variant (Variation ID: 1984262). This variant has not been reported in the literature in individuals affected with NUP133-related conditions. This variant is present in population databases (rs371625989, gnomAD 0.004%). This sequence change replaces tryptophan, which is neutral and slightly polar, with arginine, which is basic and polar, at codon 151 of the NUP133 protein (p.Trp151Arg).